The following is an entry in ClinVar:

ClinVar aggregate classification (germline): Uncertain significance (1 of 4 stars; one submission).

Conditions:
Generalized pustular psoriasis. Identifiers: Orphanet 247353, MedGen C0343055, MONDO:0100491.

Submission:

Labcorp Genetics (formerly Invitae), Labcorp
Classification: Uncertain significance for Generalized pustular psoriasis. Last evaluated: 2022-08-06. Review status: criteria provided, single submitter. Criteria: Invitae Variant Classification Sherloc (09022015). Collection method: clinical testing. Allele origin: germline.
Comment: In summary, the available evidence is currently insufficient to determine the role of this variant in disease. Therefore, it has been classified as a Variant of Uncertain Significance. Algorithms developed to predict the effect of missense changes on protein structure and function output the following: SIFT: "Tolerated"; PolyPhen-2: "Benign"; Align-GVGD: "Class C0". The arginine amino acid residue is found in multiple mammalian species, which suggests that this missense change does not adversely affect protein function. This variant has not been reported in the literature in individuals affected with IL36RN-related conditions. This variant is not present in population databases (gnomAD no frequency). This sequence change replaces serine, which is neutral and polar, with arginine, which is basic and polar, at codon 97 of the IL36RN protein (p.Ser97Arg).

NM_012275.3(IL36RN):c.291C>A (p.Ser97Arg)

Gene: IL36RN (interleukin 36 receptor antagonist; plus strand). Cytogenetic location: 2q14.1.
Variant type: single nucleotide variant.
Coding change: c.291C>A on transcript NM_012275.3 (MANE Select); coding-DNA position 291, C replaced by A.
Protein change: p.Ser97Arg; replaces serine 97 with arginine.
Molecular consequence: missense variant.
Genome position (GRCh38, 1-based): chr2:113,062,500, C>A. VCF-style: chr2-113062500-C-A. GRCh37 (hg19) VCF-style: chr2-113820077-C-A.
Other names: c.291C>A, p.Ser97Arg (NM_173170.1); short protein forms S97R.
Identifiers: ClinVar variation 2000205 (VCV002000205.2), dbSNP rs1573387667, ClinGen allele CA348290298.